The following is an entry in ClinVar:

NM_003982.4(SLC7A7):c.770+1G>T

Gene: SLC7A7 (solute carrier family 7 member 7; minus strand). Cytogenetic location: 14q11.2.
Variant type: single nucleotide variant.
Coding change: c.770+1G>T on transcript NM_003982.4 (MANE Select); the canonical splice donor site of the intron after coding-DNA position 770, G replaced by T.
Molecular consequence: splice donor variant.
Genome position (GRCh38, 1-based): chr14:22,778,792, C>A on the plus strand (G>T on the coding strand, the complement: SLC7A7 is on the minus strand). VCF-style: chr14-22778792-C-A. GRCh37 (hg19) VCF-style: chr14-23248001-C-A.
Other names: c.770+1G>T (NM_001126106.4, NM_001126105.3, NM_001126106.2).
Identifiers: ClinVar variation 1067388 (VCV001067388.8), dbSNP rs1264298481, ClinGen allele CA388923867.

ClinVar aggregate classification (germline): Pathogenic/Likely pathogenic. Review status: criteria provided, multiple submitters, no conflicts (2 of 4 stars). 2 submissions from 2 submitters: Pathogenic (1); Likely pathogenic (1). Last evaluated 2025-12-17.

Conditions:
Lysinuric protein intolerance (LPI). Identifiers: Orphanet 470, MedGen C0268647, MONDO:0009109, OMIM 222700.

Allele frequency attached by ClinVar (database versions not stated): gnomAD exomes below 0.00001.
gnomAD v4.1: 1 of 1,614,012 alleles (0.000062%); highest among the groups gnomAD compares: Admixed American, 0.0017%; no homozygotes.

Submissions (2):

Natera, Inc.
Classification: Pathogenic for Lysinuric protein intolerance. Last evaluated: 2025-12-17. Review status: criteria provided, single submitter. Criteria: Natera Variant Classification Schema (03/2026). Collection method: clinical testing. Allele origin: germline.
Comment: The c.770+1G>T variant in SLC7A7 is a canonical splice donor site variant predicted to affect pre-mRNA splicing, which may result in an abnormal transcript and altered protein product. This variant is expected to result in nonsense mediated decay, truncation, or a dysfunctional protein product. This variant is rare in the general population with a frequency below the threshold expected for the associated phenotype(s). This variant has been observed in one or more individuals affected with the associated recessive disease, as either homozygous or compound heterozygous with a second variant (PMID: 38703326). Given the available evidence, this variant is classified as Pathogenic.

Labcorp Genetics (formerly Invitae), Labcorp
Classification: Likely pathogenic for Lysinuric protein intolerance. Last evaluated: 2024-10-21. Review status: criteria provided, single submitter. Criteria: Invitae Variant Classification Sherloc (09022015). Collection method: clinical testing. Allele origin: germline.
Comment: This sequence change affects a donor splice site in intron 5 of the SLC7A7 gene. It is expected to disrupt RNA splicing. Variants that disrupt the donor or acceptor splice site typically lead to a loss of protein function (PMID: 16199547), and loss-of-function variants in SLC7A7 are known to be pathogenic (PMID: 10631139, 17764084). This variant is present in population databases (no rsID available, gnomAD 0.003%). This variant has not been reported in the literature in individuals affected with SLC7A7-related conditions. ClinVar contains an entry for this variant (Variation ID: 1067388). Algorithms developed to predict the effect of sequence changes on RNA splicing suggest that this variant may disrupt the consensus splice site. In summary, the currently available evidence indicates that the variant is pathogenic, but additional data are needed to prove that conclusively. Therefore, this variant has been classified as Likely Pathogenic.

Literature cited by the submitters: PubMed 38703326 (cited by Natera, Inc.); PubMed 16199547 (cited by Labcorp Genetics (formerly Invitae), Labcorp); PubMed 10631139 (cited by Labcorp Genetics (formerly Invitae), Labcorp); PubMed 17764084 (cited by Labcorp Genetics (formerly Invitae), Labcorp).